The following is an entry in ClinVar:

ClinVar aggregate classification (germline): Conflicting classifications of pathogenicity. Review status: criteria provided, conflicting classifications (1 of 4 stars). 2 submissions from 2 submitters: Likely pathogenic (1); Uncertain significance (1). Last evaluated 2024-07-25.

Conditions:
Cardiovascular phenotype. Identifiers: MedGen CN230736.
Hypertrophic cardiomyopathy. Also called: HYPERTROPHIC MYOCARDIOPATHY. Identifiers: Orphanet 217569, MedGen C0007194, MeSH D002312, MONDO:0005045, HP:0001639.

Submissions (2):

Ambry Genetics
Classification: Uncertain significance for Cardiovascular phenotype. Last evaluated: 2024-07-25. Review status: criteria provided, single submitter. Criteria: Ambry Variant Classification Scheme 2023. Collection method: clinical testing. Allele origin: germline.
Comment: The c.3627+2T>C intronic variant results from a T to C substitution two nucleotides after coding exon 32 of the MYBPC3 gene. This nucleotide position is highly conserved in available vertebrate species. In silico splice site analysis predicts that this alteration will weaken the native splice donor site. Alterations that disrupt the canonical splice site are expected to cause aberrant splicing, resulting in an abnormal protein or a transcript that is subject to nonsense-mediated mRNA decay; however, +2T>C alterations are capable of generating wild-type transcripts in some genomic contexts and should be interpreted with caution (Lin JH et al. Hum Mutat. 2019 10;40:1856-1873). Based on the available evidence, the clinical significance of this alteration remains unclear.

Labcorp Genetics (formerly Invitae), Labcorp
Classification: Likely pathogenic for Hypertrophic cardiomyopathy. Last evaluated: 2018-06-12. Review status: criteria provided, single submitter. Criteria: Invitae Variant Classification Sherloc (09022015). Collection method: clinical testing. Allele origin: germline.
Comment: This sequence change affects a donor splice site in intron 32 of the MYBPC3 gene. It is expected to disrupt RNA splicing and likely results in an absent or disrupted protein product. This variant is not present in population databases (ExAC no frequency). This variant has not been reported in the literature in individuals with MYBPC3-related disease. Algorithms developed to predict the effect of sequence changes on RNA splicing suggest that this variant may disrupt the consensus splice site, but this prediction has not been confirmed by published transcriptional studies. Donor and acceptor splice site variants typically lead to a loss of protein function (PMID: 16199547), and loss-of-function variants in MYBPC3 are known to be pathogenic (PMID: 19574547). In summary, the currently available evidence indicates that the variant is pathogenic, but additional data are needed to prove that conclusively. Therefore, this variant has been classified as Likely Pathogenic.

Literature cited by the submitters: PubMed 19574547 (cited by Labcorp Genetics (formerly Invitae), Labcorp).

NM_000256.3(MYBPC3):c.3627+2T>C

Gene: MYBPC3 (myosin binding protein C3; minus strand). Cytogenetic location: 11p11.2.
Variant type: single nucleotide variant.
Coding change: c.3627+2T>C on transcript NM_000256.3 (MANE Select); the canonical splice donor site of the intron after coding-DNA position 3627, T replaced by C.
Molecular consequence: splice donor variant.
Genome position (GRCh38, 1-based): chr11:47,332,564, A>G on the plus strand (T>C on the coding strand, the complement: MYBPC3 is on the minus strand). VCF-style: chr11-47332564-A-G. GRCh37 (hg19) VCF-style: chr11-47354115-A-G.
Identifiers: ClinVar variation 566170 (VCV000566170.2), dbSNP rs1299079662, ClinGen allele CA380312131.
Genomic context (GRCh38, chr11:47,332,564, plus strand): 5'-AACGTCGGGGCCTGTGAGCCCTGCCTCCTGGTCGGCCTGGACCAGCGCCTAAAGTTCCCT[A>G]CCTTGGGGCTACCCCGGACAGCACAGCAGAGCATAGCAGTGTAGCCCGCGATGACCGAGC-3'